The following is an entry in ClinVar:

NM_001613.4(ACTA2):c.101C>T (p.Pro34Leu)

Gene: ACTA2 (actin alpha 2, smooth muscle; minus strand). Cytogenetic location: 10q23.31.
Variant type: single nucleotide variant.
Coding change: c.101C>T on transcript NM_001613.4 (MANE Select); coding-DNA position 101, C replaced by T.
Protein change: p.Pro34Leu; replaces proline 34 with leucine.
Molecular consequence: missense variant.
Genome position (GRCh38, 1-based): chr10:88,948,830, G>A on the plus strand (C>T on the coding strand, the complement: ACTA2 is on the minus strand). VCF-style: chr10-88948830-G-A. GRCh37 (hg19) VCF-style: chr10-90708587-G-A.
Other names: c.101C>T, p.Pro34Leu (NM_001141945.3, NM_001320855.2, NM_001406462.1 and 7 more transcripts); short protein forms P34L.
Identifiers: ClinVar variation 3573738 (VCV003573738.1).

ClinVar aggregate classification (germline): Uncertain significance (1 of 4 stars; one submission).

Submission:

GeneDx
Classification: Uncertain significance. Last evaluated: 2024-07-15. Review status: criteria provided, single submitter. Criteria: GeneDx Variant Classification Process June 2021. Collection method: clinical testing. Allele origin: germline. Affected: yes.
Comment: Has not been previously published as pathogenic or benign to our knowledge; Not observed at significant frequency in large population cohorts (gnomAD); In silico analysis supports that this missense variant has a deleterious effect on protein structure/function